The following is an entry in ClinVar:

NM_001351132.2(PEX5):c.62C>T (p.Ala21Val)

Gene: PEX5 (peroxisomal biogenesis factor 5; plus strand). Cytogenetic location: 12p13.31.
Variant type: single nucleotide variant.
Coding change: c.62C>T on transcript NM_001351132.2 (MANE Select); coding-DNA position 62, C replaced by T.
Protein change: p.Ala21Val; replaces alanine 21 with valine.
Molecular consequence: missense variant.
Genome position (GRCh38, 1-based): chr12:7,190,439, C>T. VCF-style: chr12-7190439-C-T. GRCh37 (hg19) VCF-style: chr12-7343035-C-T.
Other names: c.62C>T, p.Ala21Val (NM_000319.5, NM_001131023.2, NM_001131024.2 and 22 more transcripts); short protein forms A21V.
Identifiers: ClinVar variation 2145687 (VCV002145687.2), dbSNP rs1277303219, ClinGen allele CA383707397.

ClinVar aggregate classification (germline): Uncertain significance (1 of 4 stars; one submission).

Conditions:
Peroxisome biogenesis disorder 2B (PBD2B). Identifiers: Orphanet 44, MedGen C3550234, MONDO:0008736, OMIM 202370.

Allele frequency attached by ClinVar (database versions not stated): gnomAD 0.00001; TOPMed 0.00001.
gnomAD v4.1: 5 of 1,614,098 alleles (0.00031%); highest among the groups gnomAD compares: Non-Finnish European, 0.00034%; no homozygotes.

Submission:

Labcorp Genetics (formerly Invitae), Labcorp
Classification: Uncertain significance for Peroxisome biogenesis disorder 2B. Last evaluated: 2024-01-02. Review status: criteria provided, single submitter. Criteria: Invitae Variant Classification Sherloc (09022015). Collection method: clinical testing. Allele origin: germline.
Comment: This sequence change replaces alanine, which is neutral and non-polar, with valine, which is neutral and non-polar, at codon 21 of the PEX5 protein (p.Ala21Val). This variant is present in population databases (no rsID available, gnomAD 0.002%). This variant has not been reported in the literature in individuals affected with PEX5-related conditions. ClinVar contains an entry for this variant (Variation ID: 2145687). An algorithm developed to predict the effect of missense changes on protein structure and function (PolyPhen-2) suggests that this variant¬†is likely to be tolerated. In summary, the available evidence is currently insufficient to determine the role of this variant in disease. Therefore, it has been classified as a Variant of Uncertain Significance.